The following is an entry in ClinVar:

ClinVar aggregate classification (germline): Uncertain significance. Review status: criteria provided, multiple submitters, no conflicts (2 of 4 stars). 2 submissions from 2 submitters: Uncertain significance (2). Last evaluated 2023-06-29.

Allele frequency attached by ClinVar (database versions not stated): gnomAD exomes below 0.00001; gnomAD 0.00002; TOPMed 0.00002; ExAC 0.00004.
gnomAD v4.1: 6 of 1,613,066 alleles (0.00037%); highest among the groups gnomAD compares: East Asian, 0.011%; no homozygotes.

Submissions (2):

Ambry Genetics
Classification: Uncertain significance. Last evaluated: 2023-06-29. Review status: criteria provided, single submitter. Criteria: Ambry Variant Classification Scheme 2023. Collection method: clinical testing. Allele origin: germline.

Labcorp Genetics (formerly Invitae), Labcorp
Classification: Uncertain significance. Last evaluated: 2022-10-04. Review status: criteria provided, single submitter. Criteria: Invitae Variant Classification Sherloc (09022015). Collection method: clinical testing. Allele origin: germline.
Comment: In summary, the available evidence is currently insufficient to determine the role of this variant in disease. Therefore, it has been classified as a Variant of Uncertain Significance. Algorithms developed to predict the effect of missense changes on protein structure and function are either unavailable or do not agree on the potential impact of this missense change (SIFT: "Deleterious"; PolyPhen-2: "Possibly Damaging"; Align-GVGD: "Class C0"). This variant has not been reported in the literature in individuals affected with FUK-related conditions. This variant is present in population databases (rs769341860, gnomAD 0.05%). This sequence change replaces phenylalanine, which is neutral and non-polar, with serine, which is neutral and polar, at codon 462 of the FUK protein (p.Phe462Ser).

NM_145059.3(FCSK):c.1385T>C (p.Phe462Ser)

Gene: FCSK (fucose kinase; plus strand). Cytogenetic location: 16q22.1.
Variant type: single nucleotide variant.
Coding change: c.1385T>C on transcript NM_145059.3 (MANE Select); coding-DNA position 1385, T replaced by C.
Protein change: p.Phe462Ser; replaces phenylalanine 462 with serine.
Molecular consequence: missense variant.
Genome position (GRCh38, 1-based): chr16:70,472,584, T>C. VCF-style: chr16-70472584-T-C. GRCh37 (hg19) VCF-style: chr16-70506487-T-C.
Other names: c.1385T>C (NM_145059.2); short protein forms F462S.
Identifiers: ClinVar variation 1915457 (VCV001915457.7), dbSNP rs769341860, ClinGen allele CA8143311.